The following is an entry in ClinVar:

NM_018344.6(SLC29A3):c.800C>A (p.Ala267Asp)

Gene: SLC29A3 (solute carrier family 29 member 3; plus strand). Cytogenetic location: 10q22.1.
Variant type: single nucleotide variant.
Coding change: c.800C>A on transcript NM_018344.6 (MANE Select); coding-DNA position 800, C replaced by A.
Protein change: p.Ala267Asp; replaces alanine 267 with aspartic acid.
Molecular consequence: missense variant. On other transcripts: 3 prime UTR variant (1), non-coding transcript variant (2).
Genome position (GRCh38, 1-based): chr10:71,361,980, C>A. VCF-style: chr10-71361980-C-A. GRCh37 (hg19) VCF-style: chr10-73121737-C-A.
Other names: c.*29C>A (NM_001174098.2); c.566C>A, p.Ala189Asp (NM_001363518.2); short protein forms A189D, A267D.
Identifiers: ClinVar variation 651684 (VCV000651684.48), dbSNP rs757102651, ClinGen allele CA5543059.

ClinVar aggregate classification (germline): Uncertain significance. Review status: criteria provided, multiple submitters, no conflicts (2 of 4 stars). 4 submissions from 4 submitters: Uncertain significance (4). Last evaluated 2024-12-16.

Conditions:
Inborn genetic diseases. Identifiers: MedGen C0950123, MeSH D030342.
H syndrome. Also called: HISTIOCYTOSIS AND LYMPHADENOPATHY WITH OR WITHOUT CUTANEOUS, CARDIAC, AND/OR ENDOCRINE FEATURES, JOINT CONTRACTURES, AND/OR DEAFNESS; HYPERPIGMENTATION, CUTANEOUS, WITH HYPERTRICHOSIS, HEPATOSPLENOMEGALY, HEART ANOMALIES, AND HYPOGONADISM WITH OR WITHOUT HEARING LOSS; PIGMENTED HYPERTRICHOSIS WITH INSULIN-DEPENDENT DIABETES MELLITUS; ROSAI-DORFMAN DISEASE, FAMILIAL; SINUS HISTIOCYTOSIS AND MASSIVE LYMPHADENOPATHY; Hyperpigmentation, Cutaneous, with Hypertrichosis, Hepatosplenomegaly, Heart Anomalies, Hearing Loss, and Hypogonadism. Identifiers: Orphanet 168569, MedGen C1864445, MONDO:0011273, OMIM 602782.

Allele frequency attached by ClinVar (database versions not stated): TOPMed 0.00002; gnomAD exomes 0.00004; ExAC 0.00005.
gnomAD v4.1: 56 of 1,613,990 alleles (0.0035%); highest among the groups gnomAD compares: Non-Finnish European, 0.0044%; no homozygotes.

Submissions (4):

Labcorp Genetics (formerly Invitae), Labcorp
Classification: Uncertain significance for H syndrome. Last evaluated: 2024-12-16. Review status: criteria provided, single submitter. Criteria: Invitae Variant Classification Sherloc (09022015). Collection method: clinical testing. Allele origin: germline.
Comment: This sequence change replaces alanine, which is neutral and non-polar, with aspartic acid, which is acidic and polar, at codon 267 of the SLC29A3 protein (p.Ala267Asp). This variant is present in population databases (rs757102651, gnomAD 0.008%). This variant has not been reported in the literature in individuals affected with SLC29A3-related conditions. ClinVar contains an entry for this variant (Variation ID: 651684). Invitae Evidence Modeling of protein sequence and biophysical properties (such as structural, functional, and spatial information, amino acid conservation, physicochemical variation, residue mobility, and thermodynamic stability) indicates that this missense variant is not expected to disrupt SLC29A3 protein function with a negative predictive value of 95%. In summary, the available evidence is currently insufficient to determine the role of this variant in disease. Therefore, it has been classified as a Variant of Uncertain Significance.

Ambry Genetics
Classification: Uncertain significance for Inborn genetic diseases. Last evaluated: 2024-05-06. Review status: criteria provided, single submitter. Criteria: Ambry Variant Classification Scheme 2023. Collection method: clinical testing. Allele origin: germline.

Blueprint Genetics
Classification: Uncertain significance. Last evaluated: 2023-11-17. Review status: criteria provided, single submitter. Criteria: ACMG Guidelines, 2015. Collection method: clinical testing. Allele origin: germline.

CeGaT Center for Human Genetics Tuebingen
Classification: Uncertain significance. Last evaluated: 2019-08-01. Review status: criteria provided, single submitter. Criteria: CeGaT Center For Human Genetics Tuebingen Variant Classification Criteria Version 2. Collection method: clinical testing. Allele origin: germline. Affected: yes. Observed: 1 variant allele.